The following is an entry in ClinVar:

ClinVar aggregate classification (germline): Uncertain significance. Review status: criteria provided, multiple submitters, no conflicts (2 of 4 stars). 3 submissions from 3 submitters: Uncertain significance (3). Last evaluated 2026-09-01.

Conditions:
Inborn genetic diseases. Identifiers: MedGen C0950123, MeSH D030342.
Pityriasis rubra pilaris (PRP). Also called: Pityriasis rubra pilaris--familial type. Identifiers: Orphanet 2897, MedGen C0032027, MONDO:0100017, OMIM 173200, MONDO:0008251.
Psoriasis 2. Identifiers: MedGen C1864497, MONDO:0011269, OMIM 602723.

Allele frequency attached by ClinVar (database versions not stated): gnomAD 0.00001; ExAC 0.00003; TOPMed 0.00004.
gnomAD v4.1: 10 of 1,613,276 alleles (0.00062%); highest among the groups gnomAD compares: Admixed American, 0.017%; no homozygotes.

Submissions (3):

CeGaT Center for Human Genetics Tuebingen
Classification: Uncertain significance. Last evaluated: 2026-09-01. Review status: criteria provided, single submitter. Criteria: CeGaT Center For Human Genetics Tuebingen Variant Classification Criteria Version 2. Collection method: clinical testing. Allele origin: germline. Affected: yes. Observed: 1 variant allele.
Comment: CARD14: PM2:Supporting, BP4

Labcorp Genetics (formerly Invitae), Labcorp
Classification: Uncertain significance for Pityriasis rubra pilaris; Psoriasis 2. Last evaluated: 2025-04-11. Review status: criteria provided, single submitter. Criteria: Invitae Variant Classification Sherloc (09022015). Collection method: clinical testing. Allele origin: germline.
Comment: This sequence change replaces alanine, which is neutral and non-polar, with valine, which is neutral and non-polar, at codon 718 of the CARD14 protein (p.Ala718Val). This variant is present in population databases (rs747104642, gnomAD 0.03%). This variant has not been reported in the literature in individuals affected with CARD14-related conditions. ClinVar contains an entry for this variant (Variation ID: 2176688). Invitae Evidence Modeling of protein sequence and biophysical properties (such as structural, functional, and spatial information, amino acid conservation, physicochemical variation, residue mobility, and thermodynamic stability) has been performed for this missense variant. However, the output from this modeling did not meet the statistical confidence thresholds required to predict the impact of this variant on CARD14 protein function. In summary, the available evidence is currently insufficient to determine the role of this variant in disease. Therefore, it has been classified as a Variant of Uncertain Significance.

Ambry Genetics
Classification: Uncertain significance for Inborn genetic diseases. Last evaluated: 2021-07-06. Review status: criteria provided, single submitter. Criteria: Ambry Variant Classification Scheme 2023. Collection method: clinical testing. Allele origin: germline.

NM_001366385.1(CARD14):c.2153C>T (p.Ala718Val)

Genes: CARD14 (caspase recruitment domain family member 14; plus strand), SGSH (N-sulfoglucosamine sulfohydrolase; minus strand). Cytogenetic location: 17q25.3.
Variant type: single nucleotide variant.
Coding change: c.2153C>T on transcript NM_001366385.1 (MANE Select); coding-DNA position 2153, C replaced by T.
Protein change: p.Ala718Val; replaces alanine 718 with valine.
Molecular consequence: missense variant. On other transcripts: non-coding transcript variant (1).
Genome position (GRCh38, 1-based): chr17:80,202,354, C>T. VCF-style: chr17-80202354-C-T. GRCh37 (hg19) VCF-style: chr17-78176153-C-T.
Other names: c.2153C>T, p.Ala718Val (NM_001257970.1, NM_024110.4); c.2153C>T (NM_024110.3); short protein forms A718V.
Identifiers: ClinVar variation 2176688 (VCV002176688.6), dbSNP rs747104642, ClinGen allele CA8817191.